The following is an entry in ClinVar:

NM_001042492.3(NF1):c.7634A>C (p.Asp2545Ala)

Gene: NF1 (neurofibromin 1; plus strand). Cytogenetic location: 17q11.2.
Variant type: single nucleotide variant.
Coding change: c.7634A>C on transcript NM_001042492.3 (MANE Select); coding-DNA position 7634, A replaced by C.
Protein change: p.Asp2545Ala; replaces aspartic acid 2545 with alanine.
Molecular consequence: missense variant.
Genome position (GRCh38, 1-based): chr17:31,356,478, A>C. VCF-style: chr17-31356478-A-C. GRCh37 (hg19) VCF-style: chr17-29683496-A-C.
Other names: c.7571A>C, p.Asp2524Ala (NM_000267.4); short protein forms D2545A, D2524A.
Identifiers: ClinVar variation 3879144 (VCV003879144.1).

ClinVar aggregate classification (germline): Uncertain significance (1 of 4 stars; one submission).

Conditions:
Cardiovascular phenotype. Identifiers: MedGen CN230736.
Hereditary cancer-predisposing syndrome. Also called: Tumor predisposition; Neoplastic Syndromes, Hereditary; Hereditary Cancer Syndrome; Hereditary neoplastic syndrome. Identifiers: Orphanet 140162, MedGen C0027672, MeSH D009386, MONDO:0015356.

Submission:

Ambry Genetics
Classification: Uncertain significance for Cardiovascular phenotype; Hereditary cancer-predisposing syndrome. Last evaluated: 2025-03-04. Review status: criteria provided, single submitter. Criteria: Ambry Variant Classification Scheme 2023. Collection method: clinical testing. Allele origin: germline.
Comment: The p.D2524A variant (also known as c.7571A>C), located in coding exon 51 of the NF1 gene, results from an A to C substitution at nucleotide position 7571. The aspartic acid at codon 2524 is replaced by alanine, an amino acid with dissimilar properties. This amino acid position is conserved. In addition, the in silico prediction for this alteration is inconclusive. Based on the available evidence, the clinical significance of this variant remains unclear.